The following is an entry in ClinVar:

ClinVar aggregate classification (germline): Uncertain significance. Review status: criteria provided, multiple submitters, no conflicts (2 of 4 stars). 3 submissions from 3 submitters: Uncertain significance (3). Last evaluated 2025-09-17.

gnomAD v4.1: 24 of 1,613,312 alleles (0.0015%); highest among the groups gnomAD compares: Non-Finnish European, 0.0018%; no homozygotes.

Submissions (3):

Ambry Genetics
Classification: Uncertain significance. Last evaluated: 2025-09-17. Review status: criteria provided, single submitter. Criteria: Ambry Variant Classification Scheme 2023. Collection method: clinical testing. Allele origin: germline.
Comment: The p.S635T variant (also known as c.1904G>C), located in coding exon 19 of the RASA2 gene, results from a G to C substitution at nucleotide position 1904. The serine at codon 635 is replaced by threonine, an amino acid with similar properties. This amino acid position is conserved. In addition, the in silico prediction for this alteration is inconclusive. Based on the available evidence, the clinical significance of this variant remains unclear.

Labcorp Genetics (formerly Invitae), Labcorp
Classification: Uncertain significance. Last evaluated: 2024-02-21. Review status: criteria provided, single submitter. Criteria: Invitae Variant Classification Sherloc (09022015). Collection method: clinical testing. Allele origin: germline.
Comment: This sequence change replaces serine, which is neutral and polar, with threonine, which is neutral and polar, at codon 635 of the RASA2 protein (p.Ser635Thr). This variant is present in population databases (rs779954976, gnomAD 0.002%). This variant has not been reported in the literature in individuals affected with RASA2-related conditions. Advanced modeling of protein sequence and biophysical properties (such as structural, functional, and spatial information, amino acid conservation, physicochemical variation, residue mobility, and thermodynamic stability) performed at Invitae indicates that this missense variant is not expected to disrupt RASA2 protein function with a negative predictive value of 80%. In summary, the available evidence is currently insufficient to determine the role of this variant in disease. Therefore, it has been classified as a Variant of Uncertain Significance.

Blueprint Genetics
Classification: Uncertain significance. Last evaluated: 2020-01-02. Review status: criteria provided, single submitter. Criteria: ACMG Guidelines, 2015. Collection method: clinical testing. Allele origin: germline.

NM_006506.5(RASA2):c.1904G>C (p.Ser635Thr)

Gene: RASA2 (RAS p21 protein activator 2; plus strand). Cytogenetic location: 3q23.
Variant type: single nucleotide variant.
Coding change: c.1904G>C on transcript NM_006506.5 (MANE Select); coding-DNA position 1904, G replaced by C.
Protein change: p.Ser635Thr; replaces serine 635 with threonine.
Molecular consequence: missense variant.
Genome position (GRCh38, 1-based): chr3:141,586,723, G>C. VCF-style: chr3-141586723-G-C. GRCh37 (hg19) VCF-style: chr3-141305565-G-C.
Other names: c.1904G>C (NM_006506.2); c.1904G>C, p.Ser635Thr (NM_001303245.3, NM_001303246.3); short protein forms S635T.
Identifiers: ClinVar variation 3706213 (VCV003706213.4).
Genomic context (GRCh38, chr3:141,586,723, plus strand): 5'-CTCAAGGAAGAACTCGGATTGGAAAAAAGAATTTTAAGAAACGATGGTTCTGCTTAACAA[G>C]CAGAGAGCTCACCTACCACAAACAGCCAGGTAGTTGTGTTTATGCTTTATTGTGGGGTTT-3'
Protein context (NP_006497.2, residues 625-645): NFKKRWFCLT[Ser635Thr]RELTYHKQPG